The following is an entry in ClinVar:

NM_000245.4(MET):c.140C>A (p.Thr47Asn)

Gene: MET (MET proto-oncogene, receptor tyrosine kinase; plus strand). Cytogenetic location: 7q31.2.
Variant type: single nucleotide variant.
Coding change: c.140C>A on transcript NM_000245.4 (MANE Select); coding-DNA position 140, C replaced by A.
Protein change: p.Thr47Asn; replaces threonine 47 with asparagine.
Molecular consequence: missense variant. On other transcripts: intron variant (1).
Genome position (GRCh38, 1-based): chr7:116,699,224, C>A. VCF-style: chr7-116699224-C-A. GRCh37 (hg19) VCF-style: chr7-116339278-C-A.
Other names: c.140C>A, p.Thr47Asn (NM_001127500.3, NM_001324401.3); c.-91+26647C>A (NM_001324402.2); short protein forms T47N.
Identifiers: ClinVar variation 1461574 (VCV001461574.6), dbSNP rs2116581323, ClinGen allele CA368968432.

ClinVar aggregate classification (germline): Uncertain significance (1 of 4 stars; one submission).

Conditions:
Renal cell carcinoma. Identifiers: Orphanet 217071, MedGen C0007134, MeSH D002292, MONDO:0005086, HP:0005584.

Submission:

Labcorp Genetics (formerly Invitae), Labcorp
Classification: Uncertain significance for Renal cell carcinoma. Last evaluated: 2021-09-07. Review status: criteria provided, single submitter. Criteria: Invitae Variant Classification Sherloc (09022015). Collection method: clinical testing. Allele origin: germline.
Comment: Algorithms developed to predict the effect of missense changes on protein structure and function are either unavailable or do not agree on the potential impact of this missense change (SIFT: "Deleterious"; PolyPhen-2: "Probably Damaging"; Align-GVGD: "Class C0"). In summary, the available evidence is currently insufficient to determine the role of this variant in disease. Therefore, it has been classified as a Variant of Uncertain Significance. This variant has not been reported in the literature in individuals affected with MET-related conditions. This variant is not present in population databases (ExAC no frequency). This sequence change replaces threonine with asparagine at codon 47 of the MET protein (p.Thr47Asn). The threonine residue is moderately conserved and there is a small physicochemical difference between threonine and asparagine.